The following is an entry in ClinVar:

NM_017514.5(PLXNA3):c.1747G>A (p.Glu583Lys)

Gene: PLXNA3 (plexin A3; plus strand). Cytogenetic location: Xq28.
Variant type: single nucleotide variant.
Coding change: c.1747G>A on transcript NM_017514.5 (MANE Select); coding-DNA position 1747, G replaced by A.
Protein change: p.Glu583Lys; replaces glutamic acid 583 with lysine.
Molecular consequence: missense variant.
Genome position (GRCh38, 1-based): chrX:154,464,232, G>A. VCF-style: chrX-154464232-G-A. GRCh37 (hg19) VCF-style: chrX-153692575-G-A.
Other names: short protein forms E583K.
Identifiers: ClinVar variation 3352059 (VCV003352059.2).

ClinVar aggregate classification (germline): Uncertain significance (1 of 4 stars; one submission).

Conditions:
PLXNA3-related disorder. Also called: PLXNA3-related condition.

gnomAD v4.1: 36 of 1,207,259 alleles (0.003%); highest among the groups gnomAD compares: African/African-American, 0.021%; no homozygotes.

Submission:

PreventionGenetics, part of Exact Sciences
Classification: Uncertain significance for PLXNA3-related condition. Last evaluated: 2026-03-20. Review status: criteria provided, single submitter. Criteria: ACMG Guidelines, 2015. Collection method: clinical testing. Allele origin: germline.
Comment: The PLXNA3 c.1747G>A variant is predicted to result in the amino acid substitution p.Glu583Lys. To our knowledge, this variant has not been reported in the literature. This variant is reported in 0.0055% of alleles in individuals of South Asian descent in gnomAD. At this time, the clinical significance of this variant is uncertain due to the absence of conclusive functional and genetic evidence.